The following is an entry in ClinVar:

ClinVar aggregate classification (germline): Benign/Likely benign. Review status: criteria provided, multiple submitters, no conflicts (2 of 4 stars). 6 submissions from 6 submitters: Benign (2); Likely benign (4). Last evaluated 2025-12-23.

Conditions:
Hereditary cancer-predisposing syndrome. Also called: Hereditary neoplastic syndrome; Neoplastic Syndromes, Hereditary; Tumor predisposition; Hereditary Cancer Syndrome. Identifiers: Orphanet 140162, MedGen C0027672, MeSH D009386, MONDO:0015356.
Tuberous sclerosis syndrome (TSC). Also called: Tuberous Sclerosis Complex; Tuberous sclerosis. Identifiers: Orphanet 805, MedGen C0041341, MONDO:0001734.
Tuberous sclerosis 2 (TSC2). Identifiers: Orphanet 805, MedGen C1860707, MONDO:0013199, OMIM 613254.

Allele frequency attached by ClinVar (database versions not stated): TOPMed below 0.00001; gnomAD 0.00001; gnomAD exomes 0.00001.
gnomAD v4.1: 21 of 1,614,110 alleles (0.0013%); highest among the groups gnomAD compares: Non-Finnish European, 0.0016%; no homozygotes.

Submissions (6):

Labcorp Genetics (formerly Invitae), Labcorp
Classification: Likely benign for Tuberous sclerosis 2. Last evaluated: 2025-12-23. Review status: criteria provided, single submitter. Criteria: Invitae Variant Classification Sherloc (09022015). Collection method: clinical testing. Allele origin: germline.

Myriad Genetics, Inc.
Classification: Benign for Tuberous sclerosis 2. Last evaluated: 2025-05-07. Review status: criteria provided, single submitter. Criteria: Myriad Autosomal Dominant, Autosomal Recessive and X-Linked Classification Criteria (2023). Collection method: clinical testing. Allele origin: unknown.
Comment: This variant is considered benign. This variant is a silent/synonymous amino acid change and it is not expected to impact splicing.

All of Us Research Program, National Institutes of Health
Classification: Likely benign for Tuberous sclerosis syndrome. Last evaluated: 2023-09-17. Review status: criteria provided, single submitter. Criteria: ACMG Guidelines, 2015. Collection method: clinical testing. Allele origin: germline. Inheritance: Autosomal dominant inheritance. Observed: 2 variant alleles, 2 heterozygotes.
Comment: This study involves interpretation of variants in research participants for the purpose of population health screening. Participant phenotype was not available at the time of variant classification. Additional details can be found in publication PMID: 35346344, PMCID: PMC8962531

Color Diagnostics, LLC DBA Color Health
Classification: Likely benign for Tuberous sclerosis syndrome. Last evaluated: 2022-09-12. Review status: criteria provided, single submitter. Criteria: ACMG Guidelines, 2015. Collection method: clinical testing. Allele origin: germline.

Genome-Nilou Lab
Classification: Benign for Tuberous sclerosis 2. Last evaluated: 2021-11-07. Review status: criteria provided, single submitter. Criteria: ACMG Guidelines, 2015. Collection method: clinical testing. Allele origin: germline. Affected: no.

Ambry Genetics
Classification: Likely benign for Hereditary cancer-predisposing syndrome. Last evaluated: 2016-02-06. Review status: criteria provided, single submitter. Criteria: Ambry Variant Classification Scheme 2023. Collection method: clinical testing. Allele origin: germline.

NM_000548.5(TSC2):c.532C>T (p.Leu178=)

Gene: TSC2 (TSC complex subunit 2; plus strand). Cytogenetic location: 16p13.3.
Variant type: single nucleotide variant.
Coding change: c.532C>T on transcript NM_000548.5 (MANE Select); coding-DNA position 532, C replaced by T.
Protein change: p.Leu178=; no amino-acid change (leucine 178 retained).
Molecular consequence: synonymous variant. On other transcripts: intron variant (1).
Genome position (GRCh38, 1-based): chr16:2,055,452, C>T. VCF-style: chr16-2055452-C-T. GRCh37 (hg19) VCF-style: chr16-2105453-C-T.
Other names: c.532C>T, p.Leu178= (NM_001077183.3, NM_001114382.3, NM_001363528.2 and 3 more transcripts); c.421C>T, p.Leu141= (NM_001318827.2); c.385C>T, p.Leu129= (NM_001318829.2); c.565C>T, p.Leu189= (NM_001318832.2); c.-1-744C>T (NM_001318831.2).
Identifiers: ClinVar variation 468158 (VCV000468158.21), dbSNP rs1465941679, ClinGen allele CA492955787.